The following is an entry in ClinVar:

NM_213607.3(DNAAF19):c.355C>T (p.Arg119Cys)

Gene: DNAAF19 (dynein axonemal assembly factor 19; plus strand). Cytogenetic location: 17q21.31.
Variant type: single nucleotide variant.
Coding change: c.355C>T on transcript NM_213607.3 (MANE Select); coding-DNA position 355, C replaced by T.
Protein change: p.Arg119Cys; replaces arginine 119 with cysteine.
Molecular consequence: missense variant. On other transcripts: 3 prime UTR variant (3).
Genome position (GRCh38, 1-based): chr17:44,902,443, C>T. VCF-style: chr17-44902443-C-T. GRCh37 (hg19) VCF-style: chr17-42979811-C-T.
Other names: c.355C>T, p.Arg119Cys (NM_001258395.2, NM_001258396.2); c.*105C>T (NM_001258397.3); c.*44C>T (NM_001258398.3, NM_001258399.2); short protein forms R119C.
Identifiers: ClinVar variation 1433120 (VCV001433120.5), dbSNP rs755188855, ClinGen allele CA8608361.

ClinVar aggregate classification (germline): Uncertain significance (1 of 4 stars; one submission).

Conditions:
Primary ciliary dyskinesia. Also called: Ciliary dyskinesia. Identifiers: Orphanet 244, MedGen C0008780, MONDO:0016575, HP:0012265.

Allele frequency attached by ClinVar (database versions not stated): gnomAD exomes 0.00001; ExAC 0.00002; gnomAD 0.00008 and 0.00009; TOPMed 0.00014.
gnomAD v4.1: 28 of 1,614,218 alleles (0.0017%); highest among the groups gnomAD compares: Admixed American, 0.018%; no homozygotes.

Submission:

Labcorp Genetics (formerly Invitae), Labcorp
Classification: Uncertain significance for Primary ciliary dyskinesia. Last evaluated: 2021-09-01. Review status: criteria provided, single submitter. Criteria: Invitae Variant Classification Sherloc (09022015). Collection method: clinical testing. Allele origin: germline.
Comment: This sequence change replaces arginine with cysteine at codon 119 of the CCDC103 protein (p.Arg119Cys). The arginine residue is highly conserved and there is a large physicochemical difference between arginine and cysteine. This variant is present in population databases (rs755188855, ExAC 0.003%). This variant has not been reported in the literature in individuals affected with CCDC103-related conditions. Algorithms developed to predict the effect of missense changes on protein structure and function are either unavailable or do not agree on the potential impact of this missense change (SIFT: "Deleterious"; PolyPhen-2: "Probably Damaging"; Align-GVGD: "Class C0"). In summary, the available evidence is currently insufficient to determine the role of this variant in disease. Therefore, it has been classified as a Variant of Uncertain Significance.